The following is an entry in ClinVar:

NM_001184880.2(PCDH19):c.145G>A (p.Ala49Thr)

Gene: PCDH19 (protocadherin 19; minus strand). Cytogenetic location: Xq22.1.
Variant type: single nucleotide variant.
Coding change: c.145G>A on transcript NM_001184880.2 (MANE Select); coding-DNA position 145, G replaced by A.
Protein change: p.Ala49Thr; replaces alanine 49 with threonine.
Molecular consequence: missense variant.
Genome position (GRCh38, 1-based): chrX:100,408,453, C>T on the plus strand (G>A on the coding strand, the complement: PCDH19 is on the minus strand). VCF-style: chrX-100408453-C-T. GRCh37 (hg19) VCF-style: chrX-99663451-C-T.
Other names: c.145G>A, p.Ala49Thr (NM_001105243.2, NM_020766.3); short protein forms A49T.
Identifiers: ClinVar variation 1719283 (VCV001719283.6), dbSNP rs1405217506, ClinGen allele CA414011281.

ClinVar aggregate classification (germline): Uncertain significance (1 of 4 stars; one submission).

Conditions:
Developmental and epileptic encephalopathy, 9 (DEE9). Also called: EPILEPSY, FEMALE-RESTRICTED, WITH MENTAL RETARDATION; Early infantile epileptic encephalopathy 9; JUBERG-HELLMAN SYNDROME; PCDH19-Related X-Linked Female-Limited Epilepsy with Mental Retardation. Identifiers: Orphanet 101039, Orphanet 2076, MedGen C1848137, MONDO:0010246, OMIM 300088. Disease mechanism: loss of function.

Submission:

Labcorp Genetics (formerly Invitae), Labcorp
Classification: Uncertain significance for Developmental and epileptic encephalopathy, 9. Last evaluated: 2022-09-12. Review status: criteria provided, single submitter. Criteria: Invitae Variant Classification Sherloc (09022015). Collection method: clinical testing. Allele origin: germline.
Comment: In summary, the available evidence is currently insufficient to determine the role of this variant in disease. Therefore, it has been classified as a Variant of Uncertain Significance. Advanced modeling of protein sequence and biophysical properties (such as structural, functional, and spatial information, amino acid conservation, physicochemical variation, residue mobility, and thermodynamic stability) performed at Invitae indicates that this missense variant is not expected to disrupt PCDH19 protein function. This variant has not been reported in the literature in individuals affected with PCDH19-related conditions. This variant is not present in population databases (gnomAD no frequency). This sequence change replaces alanine, which is neutral and non-polar, with threonine, which is neutral and polar, at codon 49 of the PCDH19 protein (p.Ala49Thr).